The following is an entry in ClinVar:

ClinVar aggregate classification (germline): Uncertain significance (1 of 4 stars; one submission).

Conditions:
Hereditary cancer-predisposing syndrome. Also called: Neoplastic Syndromes, Hereditary; Tumor predisposition; Hereditary Cancer Syndrome; Hereditary neoplastic syndrome. Identifiers: Orphanet 140162, MedGen C0027672, MeSH D009386, MONDO:0015356.

Submission:

Ambry Genetics
Classification: Uncertain significance for Hereditary cancer-predisposing syndrome. Last evaluated: 2025-07-07. Review status: criteria provided, single submitter. Criteria: Ambry Variant Classification Scheme 2023. Collection method: clinical testing. Allele origin: germline.
Comment: The p.E768G variant (also known as c.2303A>G), located in coding exon 9 of the BLM gene, results from an A to G substitution at nucleotide position 2303. The glutamic acid at codon 768 is replaced by glycine, an amino acid with similar properties. This amino acid position is conserved. In addition, this alteration is predicted to be deleterious by in silico analysis. Based on the available evidence, the clinical significance of this variant remains unclear.

NM_000057.4(BLM):c.2303A>G (p.Glu768Gly)

Gene: BLM (BLM RecQ like helicase; plus strand). Cytogenetic location: 15q26.1.
Variant type: single nucleotide variant.
Coding change: c.2303A>G on transcript NM_000057.4 (MANE Select); coding-DNA position 2303, A replaced by G.
Protein change: p.Glu768Gly; replaces glutamic acid 768 with glycine.
Molecular consequence: missense variant.
Genome position (GRCh38, 1-based): chr15:90,767,019, A>G. VCF-style: chr15-90767019-A-G. GRCh37 (hg19) VCF-style: chr15-91310249-A-G.
Other names: c.2303A>G, p.Glu768Gly (NM_001287246.2, NM_001287247.2); c.1178A>G, p.Glu393Gly (NM_001287248.2); short protein forms E393G, E768G.
Identifiers: ClinVar variation 4211706 (VCV004211706.1).